The following is an entry in ClinVar:

ClinVar aggregate classification (germline): Conflicting classifications of pathogenicity. Review status: criteria provided, conflicting classifications (1 of 4 stars). 3 submissions from 3 submitters: Uncertain significance (1); Likely benign (1). 1 of the submissions does not count toward it. Last evaluated 2025-04-07.

Conditions:
LPIN1-related disorder. Also called: LPIN1-related condition.
Myoglobinuria, acute recurrent, autosomal recessive. Also called: Myoglobinuria, recurrent, autosomal recessive; MYOGLOBINURIA, FAMILIAL PAROXYSMAL PARALYTIC; RHABDOMYOLYSIS, ACUTE RECURRENT. Identifiers: Orphanet 99845, MedGen C1849386, MONDO:0009992, OMIM 268200.

Allele frequency attached by ClinVar (database versions not stated): gnomAD exomes 0.00001; TOPMed 0.00002; gnomAD 0.00004; ExAC 0.00007; 1000 Genomes Project 30x 0.00016; 1000 Genomes Project 0.00020.
gnomAD v4.1: 23 of 1,613,978 alleles (0.0014%); highest among the groups gnomAD compares: South Asian, 0.012%; no homozygotes.

Submissions (3):

Labcorp Genetics (formerly Invitae), Labcorp
Classification: Likely benign. Last evaluated: 2025-04-07. Review status: criteria provided, single submitter. Criteria: Invitae Variant Classification Sherloc (09022015). Collection method: clinical testing. Allele origin: germline.

Baylor Genetics
Classification: Uncertain significance for Myoglobinuria, acute recurrent, autosomal recessive. Last evaluated: 2022-12-25. Review status: criteria provided, single submitter. Criteria: ACMG Guidelines, 2015. Collection method: clinical testing. Allele origin: unknown.

PreventionGenetics, part of Exact Sciences
Classification: Likely benign for LPIN1-related condition. Last evaluated: 2022-12-12. Review status: no assertion criteria provided. Collection method: clinical testing. Allele origin: germline. Not counted in ClinVar's aggregate classification.
Comment: This variant is classified as likely benign based on ACMG/AMP sequence variant interpretation guidelines (Richards et al. 2015 PMID: 25741868, with internal and published modifications).

NM_001349206.2(LPIN1):c.2223C>T (p.Ile741=)

Gene: LPIN1 (lipin 1; plus strand). Cytogenetic location: 2p25.1.
Variant type: single nucleotide variant.
Coding change: c.2223C>T on transcript NM_001349206.2 (MANE Select); coding-DNA position 2223, C replaced by T.
Protein change: p.Ile741=; no amino-acid change (isoleucine 741 retained).
Molecular consequence: synonymous variant. On other transcripts: non-coding transcript variant (1).
Genome position (GRCh38, 1-based): chr2:11,805,130, C>T. VCF-style: chr2-11805130-C-T. GRCh37 (hg19) VCF-style: chr2-11945256-C-T.
Other names: c.2115C>T (NM_145693.2); c.2133C>T, p.Ile711= (NM_001261427.3); c.2370C>T, p.Ile790= (NM_001261428.3); c.2115C>T, p.Ile705= (NM_001349199.2, NM_145693.4); c.2193C>T, p.Ile731= (NM_001349200.2, NM_001349201.2); c.2220C>T, p.Ile740= (NM_001349202.2, NM_001349203.2); c.2223C>T, p.Ile741= (NM_001349204.2, NM_001349205.2); c.2313C>T, p.Ile771= (NM_001349207.2); and 1 more.
Identifiers: ClinVar variation 2039658 (VCV002039658.6), dbSNP rs564822781, ClinGen allele CA1534032.